The following is an entry in ClinVar:

ClinVar aggregate classification (germline): Likely benign. Review status: criteria provided, multiple submitters, no conflicts (2 of 4 stars). 5 submissions from 5 submitters: Likely benign (5). Last evaluated 2025-12-20.

Conditions:
Inborn genetic diseases. Identifiers: MedGen C0950123, MeSH D030342.
Muscular dystrophy-dystroglycanopathy (congenital with brain and eye anomalies), type A14. Also called: WALKER-WARBURG SYNDROME OR MUSCLE-EYE-BRAIN DISEASE, GMPPB-RELATED; Muscular dystrophy-dystroglycanopathy (congenital with brain and eye anomalies), type a, 14; Congenital Muscular Dystrophy-Dystroglycanopathy with Brain and Eye Anomalies Type A 14; Congenital muscular dystrophy-dystroglycanopathy with brain and eye anomalies, type A14. Identifiers: Orphanet 588, MedGen C3809216, MONDO:0014140, OMIM 615350.
Muscular dystrophy-dystroglycanopathy (congenital with impaired intellectual development), type B, 14. Also called: Muscular dystrophy-dystroglycanopathy (congenital with intellectual disability), type B14; MUSCULAR DYSTROPHY, CONGENITAL, GMPPB-RELATED; Congenital muscular dystrophy-dystroglycanopathy with mental retardation, type B14. Identifiers: MedGen C3809221, MONDO:0014141, OMIM 615351.
Autosomal recessive limb-girdle muscular dystrophy type 2T. Also called: MUSCULAR DYSTROPHY-DYSTROGLYCANOPATHY, LIMB-GIRDLE, GMPPB-RELATED; MUSCULAR DYSTROPHY, LIMB-GIRDLE, TYPE 2T; Muscular dystrophy-dystroglycanopathy (limb-girdle), type c, 14; Limb-girdle muscular dystrophy-dystroglycanopathy, type C14. Identifiers: Orphanet 363623, MedGen C4518000, MONDO:0014142, OMIM 615352.

Allele frequency attached by ClinVar (database versions not stated): TOPMed 0.00053; ESP Exome Variant Server 0.00069; gnomAD exomes 0.00096; 1000 Genomes Project 30x 0.00031; gnomAD 0.00055 and 0.00059.
gnomAD v4.1: 1,478 of 1,611,042 alleles (0.092%); highest among the groups gnomAD compares: Middle Eastern, 0.13%; 2 homozygotes.

Submissions (5):

Labcorp Genetics (formerly Invitae), Labcorp
Classification: Likely benign for Autosomal recessive limb-girdle muscular dystrophy type 2T; Muscular dystrophy-dystroglycanopathy (congenital with brain and eye anomalies), type A14; Muscular dystrophy-dystroglycanopathy (congenital with impaired intellectual development), type B, 14. Last evaluated: 2025-12-20. Review status: criteria provided, single submitter. Criteria: Invitae Variant Classification Sherloc (09022015). Collection method: clinical testing. Allele origin: germline.

Ambry Genetics
Classification: Likely benign for Inborn genetic diseases. Last evaluated: 2025-08-13. Review status: criteria provided, single submitter. Criteria: Ambry Variant Classification Scheme 2023. Collection method: clinical testing. Allele origin: germline.

Blueprint Genetics
Classification: Likely benign. Last evaluated: 2024-11-07. Review status: criteria provided, single submitter. Criteria: ACMG Guidelines, 2015. Collection method: clinical testing. Allele origin: germline.

CeGaT Center for Human Genetics Tuebingen
Classification: Likely benign. Last evaluated: 2024-11-01. Review status: criteria provided, single submitter. Criteria: CeGaT Center For Human Genetics Tuebingen Variant Classification Criteria Version 2. Collection method: clinical testing. Allele origin: germline. Affected: yes. Observed: 5 variant alleles.
Comment: GMPPB: BP4, BP7

GeneDx
Classification: Likely benign. Last evaluated: 2021-05-01. Review status: criteria provided, single submitter. Criteria: GeneDx Variant Classification Process June 2021. Collection method: clinical testing. Allele origin: germline. Affected: yes.

NM_021971.4(GMPPB):c.951+9G>A

Gene: GMPPB (GDP-mannose pyrophosphorylase B; minus strand). Cytogenetic location: 3p21.31.
Variant type: single nucleotide variant.
Coding change: c.951+9G>A on transcript NM_021971.4 (MANE Select); 9 bases into the intron after coding-DNA position 951, G replaced by A.
Molecular consequence: intron variant. On other transcripts: synonymous variant (1).
Genome position (GRCh38, 1-based): chr3:49,721,956, C>T on the plus strand (G>A on the coding strand, the complement: GMPPB is on the minus strand). VCF-style: chr3-49721956-C-T. GRCh37 (hg19) VCF-style: chr3-49759389-C-T.
Other names: c.960G>A, p.Leu320= (NM_013334.4); c.960G>A (NM_013334.2).
Identifiers: ClinVar variation 389060 (VCV000389060.50), dbSNP rs55816606, ClinGen allele CA2405399.